The following is an entry in ClinVar:

ClinVar aggregate classification (germline): Conflicting classifications of pathogenicity. Review status: criteria provided, conflicting classifications (1 of 4 stars). 2 submissions from 2 submitters: Uncertain significance (1); Likely benign (1). Last evaluated 2025-11-17.

Conditions:
Hereditary cancer-predisposing syndrome. Also called: Tumor predisposition; Hereditary Cancer Syndrome; Neoplastic Syndromes, Hereditary; Hereditary neoplastic syndrome. Identifiers: Orphanet 140162, MedGen C0027672, MeSH D009386, MONDO:0015356.
Ataxia-telangiectasia syndrome (AT). Also called: Cerebello-oculocutaneous telangiectasia; Immunodeficiency with ataxia telangiectasia; Ataxia telangiectasia (A-T); LOUIS-BAR SYNDROME; ATAXIA-TELANGIECTASIA, COMPLEMENTATION GROUP A; ATAXIA-TELANGIECTASIA, FRESNO VARIANT. Identifiers: Orphanet 100, MedGen C0004135, MONDO:0008840, OMIM 208900.

Allele frequency attached by ClinVar (database versions not stated): gnomAD exomes below 0.00001 and 0.00001; ExAC 0.00001.
gnomAD v4.1: 2 of 1,613,532 alleles (0.00012%); highest among the groups gnomAD compares: Admixed American, 0.0033%; no homozygotes.

Submissions (2):

Labcorp Genetics (formerly Invitae), Labcorp
Classification: Uncertain significance for Ataxia-telangiectasia syndrome. Last evaluated: 2025-11-17. Review status: criteria provided, single submitter. Criteria: Invitae Variant Classification Sherloc (09022015). Collection method: clinical testing. Allele origin: germline.
Comment: This sequence change replaces proline, which is neutral and non-polar, with serine, which is neutral and polar, at codon 1382 of the ATM protein (p.Pro1382Ser). This variant is present in population databases (rs55859590, gnomAD 0.006%). This variant has not been reported in the literature in individuals affected with ATM-related conditions. ClinVar contains an entry for this variant (Variation ID: 216214). Invitae Evidence Modeling of protein sequence and biophysical properties (such as structural, functional, and spatial information, amino acid conservation, physicochemical variation, residue mobility, and thermodynamic stability) indicates that this missense variant is not expected to disrupt ATM protein function with a negative predictive value of 95%. In summary, the available evidence is currently insufficient to determine the role of this variant in disease. Therefore, it has been classified as a Variant of Uncertain Significance.

Ambry Genetics
Classification: Likely benign for Hereditary cancer-predisposing syndrome. Last evaluated: 2025-01-31. Review status: criteria provided, single submitter. Criteria: Ambry Variant Classification Scheme 2023. Collection method: clinical testing. Allele origin: germline.

NM_000051.4(ATM):c.4144C>T (p.Pro1382Ser)

Gene: ATM (ATM serine/threonine kinase; plus strand). Cytogenetic location: 11q22.3.
Variant type: single nucleotide variant.
Coding change: c.4144C>T on transcript NM_000051.4 (MANE Select); coding-DNA position 4144, C replaced by T.
Protein change: p.Pro1382Ser; replaces proline 1382 with serine.
Molecular consequence: missense variant.
Genome position (GRCh38, 1-based): chr11:108,289,011, C>T. VCF-style: chr11-108289011-C-T. GRCh37 (hg19) VCF-style: chr11-108159738-C-T.
Other names: c.4144C>T, p.Pro1382Ser (NM_001351834.2); short protein forms P1382S.
Identifiers: ClinVar variation 216214 (VCV000216214.11), dbSNP rs55859590, ClinGen allele CA339483.